The following is an entry in ClinVar:

ClinVar aggregate classification (germline): Conflicting classifications of pathogenicity. Review status: criteria provided, conflicting classifications (1 of 4 stars). 3 submissions from 3 submitters: Uncertain significance (2); Benign (1). Last evaluated 2023-10-12.

Conditions:
Myoclonic dystonia 11 (DYT11). Also called: Dystonia, alcohol responsive; Hereditary essential myoclonus; SGCE Myoclonus-Dystonia; Myoclonus-Dystonia; Myoclonic dystonia; Dystonia 11. Identifiers: Orphanet 36899, MedGen C1834570, MONDO:0008044, OMIM 159900.

Allele frequency attached by ClinVar (database versions not stated): gnomAD 0.00002; ExAC 0.00003; TOPMed 0.00003; gnomAD exomes 0.00004.
gnomAD v4.1: 13 of 1,612,596 alleles (0.00081%); highest among the groups gnomAD compares: East Asian, 0.02%; no homozygotes.

Submissions (3):

Labcorp Genetics (formerly Invitae), Labcorp
Classification: Uncertain significance for Myoclonic dystonia 11. Last evaluated: 2023-10-12. Review status: criteria provided, single submitter. Criteria: Invitae Variant Classification Sherloc (09022015). Collection method: clinical testing. Allele origin: germline.
Comment: This sequence change replaces arginine, which is basic and polar, with glutamine, which is neutral and polar, at codon 342 of the SGCE protein (p.Arg342Gln). This variant is present in population databases (rs764696852, gnomAD 0.06%). This variant has not been reported in the literature in individuals affected with SGCE-related conditions. ClinVar contains an entry for this variant (Variation ID: 360988). Advanced modeling of protein sequence and biophysical properties (such as structural, functional, and spatial information, amino acid conservation, physicochemical variation, residue mobility, and thermodynamic stability) performed at Invitae indicates that this missense variant is not expected to disrupt SGCE protein function. In summary, the available evidence is currently insufficient to determine the role of this variant in disease. Therefore, it has been classified as a Variant of Uncertain Significance.

Revvity Omics, Revvity
Classification: Uncertain significance for Myoclonic dystonia 11. Last evaluated: 2020-08-10. Review status: criteria provided, single submitter. Criteria: ACMG Guidelines, 2015. Collection method: clinical testing. Allele origin: germline.

Illumina Laboratory Services, Illumina
Classification: Benign for Myoclonic dystonia 11. Last evaluated: 2018-01-13. Review status: criteria provided, single submitter. Criteria: ICSL Variant Classification Criteria 13 December 2019. Collection method: clinical testing. Allele origin: germline.
Comment: This variant was observed in the ICSL laboratory as part of a predisposition screen in an ostensibly healthy population. It had not been previously curated by ICSL or reported in the Human Gene Mutation Database (HGMD: prior to June 1st, 2018), and was therefore a candidate for classification through an automated scoring system. Utilizing variant allele frequency, disease prevalence and penetrance estimates, and inheritance mode, an automated score was calculated to assess if this variant is too frequent to cause the disease. Based on the score and internal cut-off values, a variant classified as benign is not then subjected to further curation. The score for this variant resulted in a classification of benign for this disease.

NM_003919.3(SGCE):c.1025G>A (p.Arg342Gln)

Genes: CASD1 (CAS1 domain sialic acid O acetyltransferase 1; plus strand), SGCE (sarcoglycan epsilon; minus strand). Cytogenetic location: 7q21.3.
Variant type: single nucleotide variant.
Coding change: c.1025G>A on transcript NM_003919.3 (MANE Select); coding-DNA position 1025, G replaced by A.
Protein change: p.Arg342Gln; replaces arginine 342 with glutamine.
Molecular consequence: missense variant.
Genome position (GRCh38, 1-based): chr7:94,600,658, C>T on the plus strand (G>A on the coding strand, the complement: SGCE is on the minus strand). VCF-style: chr7-94600658-C-T. GRCh37 (hg19) VCF-style: chr7-94229970-C-T.
Other names: c.1025G>A, p.Arg342Gln (NM_001099400.2, NM_001099401.2, NM_001346717.2); c.902G>A, p.Arg301Gln (NM_001301139.2, NM_001362809.2); c.1133G>A, p.Arg378Gln (NM_001346713.2, NM_001346715.2); c.938G>A, p.Arg313Gln (NM_001346719.2, NM_001362807.2); c.752G>A, p.Arg251Gln (NM_001346720.2, NM_001362808.2); short protein forms R342Q, R301Q, R378Q, R313Q, R251Q.
Identifiers: ClinVar variation 360988 (VCV000360988.16), dbSNP rs764696852, ClinGen allele CA4348674.
Genomic context (GRCh38, chr7:94,600,658, plus strand): 5'-TTATCTTAGCAGGATCTCTAATTATCTTATTAGTTTTAAAGTACTCACACGCCTTCCCGT[C>T]GGCAGCACATGATATAAGCAAGTATTAGAAAAAGGACCAGTGCCACTGCCGAGGGCACAG-3'
Protein context (NP_003910.1, residues 332-352): FLILAYIMCC[Arg342Gln]REGVEKRNMQ